The following is an entry in ClinVar:

ClinVar aggregate classification (germline): Uncertain significance. Review status: criteria provided, multiple submitters, no conflicts (2 of 4 stars). 2 submissions from 2 submitters: Uncertain significance (2). Last evaluated 2023-11-01.

Allele frequency attached by ClinVar (database versions not stated): TOPMed below 0.00001; gnomAD 0.00003.
gnomAD v4.1: 16 of 1,613,926 alleles (0.00099%); highest among the groups gnomAD compares: Non-Finnish European, 0.0014%; no homozygotes.

Submissions (2):

CeGaT Center for Human Genetics Tuebingen
Classification: Uncertain significance. Last evaluated: 2023-11-01. Review status: criteria provided, single submitter. Criteria: CeGaT Center For Human Genetics Tuebingen Variant Classification Criteria Version 2. Collection method: clinical testing. Allele origin: germline. Affected: yes. Observed: 1 variant allele.
Comment: PPP2R1A: PP2

Labcorp Genetics (formerly Invitae), Labcorp
Classification: Uncertain significance. Last evaluated: 2022-03-12. Review status: criteria provided, single submitter. Criteria: Invitae Variant Classification Sherloc (09022015). Collection method: clinical testing. Allele origin: germline.
Comment: This variant has not been reported in the literature in individuals affected with PPP2R1A-related conditions. Algorithms developed to predict the effect of missense changes on protein structure and function (SIFT, PolyPhen-2, Align-GVGD) all suggest that this variant is likely to be tolerated. In summary, the available evidence is currently insufficient to determine the role of this variant in disease. Therefore, it has been classified as a Variant of Uncertain Significance. This sequence change replaces threonine, which is neutral and polar, with proline, which is neutral and non-polar, at codon 78 of the PPP2R1A protein (p.Thr78Pro). This variant is present in population databases (rs559725266, gnomAD 0.003%).

NM_014225.6(PPP2R1A):c.232A>C (p.Thr78Pro)

Gene: PPP2R1A (protein phosphatase 2 scaffold subunit Aalpha; plus strand). Cytogenetic location: 19q13.41.
Variant type: single nucleotide variant.
Coding change: c.232A>C on transcript NM_014225.6 (MANE Select); coding-DNA position 232, A replaced by C.
Protein change: p.Thr78Pro; replaces threonine 78 with proline.
Molecular consequence: missense variant. On other transcripts: 5 prime UTR variant (1).
Genome position (GRCh38, 1-based): chr19:52,206,025, A>C. VCF-style: chr19-52206025-A-C. GRCh37 (hg19) VCF-style: chr19-52709278-A-C.
Other names: c.-306A>C (NM_001363656.2); short protein forms T78P.
Identifiers: ClinVar variation 1935852 (VCV001935852.28), dbSNP rs559725266, ClinGen allele CA309861652.